The following is an entry in ClinVar:

ClinVar aggregate classification (germline): Uncertain significance (1 of 4 stars; one submission).

Submission:

Labcorp Genetics (formerly Invitae), Labcorp
Classification: Uncertain significance. Last evaluated: 2025-09-15. Review status: criteria provided, single submitter. Criteria: Invitae Variant Classification Sherloc (09022015). Collection method: clinical testing. Allele origin: germline.
Comment: This variant, c.2219_2221del, results in the deletion of 1 amino acid(s) of the GEN1 protein (p.Gly740del), but otherwise preserves the integrity of the reading frame. This variant is present in population databases (rs573298235, gnomAD 0.003%). This variant has not been reported in the literature in individuals affected with GEN1-related conditions. ClinVar contains an entry for this variant (Variation ID: 1015331). Experimental studies and prediction algorithms are not available or were not evaluated, and the functional significance of this variant is currently unknown. In summary, the available evidence is currently insufficient to determine the role of this variant in disease. Therefore, it has been classified as a Variant of Uncertain Significance.

NM_001130009.3(GEN1):c.2219_2221del (p.Gly740del)

Gene: GEN1 (GEN1 structure-specific endonuclease; plus strand). Cytogenetic location: 2p24.2.
Variant type: Deletion.
Coding change: c.2219_2221del on transcript NM_001130009.3 (MANE Select); coding-DNA positions 2219 to 2221, 3 bases deleted (GAG; older notation c.2219_2221delGAG).
Protein change: p.Gly740del; deletes glycine 740.
Molecular consequence: inframe deletion.
Genome position (GRCh38, 1-based): chr2:17,781,431-17,781,433, GAG deleted; deleting any 3 consecutive bases within chr2:17,781,429-17,781,433 gives the same sequence; the c. name uses the placement nearest the transcript's 3' end. VCF-style (leftmost placement, unchanged base first): chr2-17781428-AAGG-A. GRCh37 (hg19) VCF-style: chr2-17962695-AAGG-A.
Other names: c.2219_2221del, p.Gly740del (NM_182625.5); short protein forms G740del.
Identifiers: ClinVar variation 1015331 (VCV001015331.8), dbSNP rs573298235, ClinGen allele CA1540917.
Genomic context (GRCh38, chr2:17,781,428, plus strand): 5'-TTTCAAAGGATCTTCCAGGAATTCCCTTGCAAAATGAATCCAGAGACTCTAAAATTCTAA[AAGG>A]AGACCAGCTGCTTCAAGAAGACTATAAAGTCAATACTTCTGTCCCTTATTCTGTCAGTAA-3'